The following is an entry in ClinVar:

ClinVar aggregate classification (germline): Uncertain significance (1 of 4 stars; one submission).

Conditions:
Hereditary cancer-predisposing syndrome. Also called: Neoplastic Syndromes, Hereditary; Tumor predisposition; Hereditary neoplastic syndrome; Hereditary Cancer Syndrome. Identifiers: Orphanet 140162, MedGen C0027672, MeSH D009386, MONDO:0015356.

Allele frequency attached by ClinVar (database versions not stated): gnomAD exomes below 0.00001.

Submission:

Ambry Genetics
Classification: Uncertain significance for Hereditary cancer-predisposing syndrome. Last evaluated: 2018-01-12. Review status: criteria provided, single submitter. Criteria: Ambry Variant Classification Scheme 2023. Collection method: clinical testing. Allele origin: germline.
Comment: The p.S147A variant (also known as c.439T>G), located in coding exon 4 of the RAD50 gene, results from a T to G substitution at nucleotide position 439. The serine at codon 147 is replaced by alanine, an amino acid with similar properties. This amino acid position is highly conserved in available vertebrate species. In addition, this alteration is predicted to be tolerated by in silico analysis. Since supporting evidence is limited at this time, the clinical significance of this alteration remains unclear.

NM_005732.4(RAD50):c.439T>G (p.Ser147Ala)

Gene: RAD50 (RAD50 double strand break repair protein; plus strand). Cytogenetic location: 5q31.1.
Variant type: single nucleotide variant.
Coding change: c.439T>G on transcript NM_005732.4 (MANE Select); coding-DNA position 439, T replaced by G.
Protein change: p.Ser147Ala; replaces serine 147 with alanine.
Molecular consequence: missense variant.
Genome position (GRCh38, 1-based): chr5:132,579,390, T>G. VCF-style: chr5-132579390-T-G. GRCh37 (hg19) VCF-style: chr5-131915082-T-G.
Other names: short protein forms S147A.
Identifiers: ClinVar variation 824863 (VCV000824863.4), dbSNP rs1159264224, ClinGen allele CA360933997.